The following is an entry in ClinVar:

NM_004525.3(LRP2):c.628G>A (p.Asp210Asn)

Gene: LRP2 (LDL receptor related protein 2; minus strand). Cytogenetic location: 2q31.1.
Variant type: single nucleotide variant.
Coding change: c.628G>A on transcript NM_004525.3 (MANE Select); coding-DNA position 628, G replaced by A.
Protein change: p.Asp210Asn; replaces aspartic acid 210 with asparagine.
Molecular consequence: missense variant.
Genome position (GRCh38, 1-based): chr2:169,294,172, C>T on the plus strand (G>A on the coding strand, the complement: LRP2 is on the minus strand). VCF-style: chr2-169294172-C-T. GRCh37 (hg19) VCF-style: chr2-170150682-C-T.
Other names: short protein forms D210N.
Identifiers: ClinVar variation 1350818 (VCV001350818.8), dbSNP rs2105472250, ClinGen allele CA349162097.

ClinVar aggregate classification (germline): Uncertain significance (1 of 4 stars; one submission).

Submission:

Labcorp Genetics (formerly Invitae), Labcorp
Classification: Uncertain significance. Last evaluated: 2020-11-24. Review status: criteria provided, single submitter. Criteria: Invitae Variant Classification Sherloc (09022015). Collection method: clinical testing. Allele origin: germline.
Comment: This sequence change replaces aspartic acid with asparagine at codon 210 of the LRP2 protein (p.Asp210Asn). The aspartic acid residue is highly conserved and there is a small physicochemical difference between aspartic acid and asparagine. This variant is not present in population databases (ExAC no frequency). This variant has not been reported in the literature in individuals with LRP2-related conditions. Advanced modeling of protein sequence and biophysical properties (such as structural, functional, and spatial information, amino acid conservation, physicochemical variation, residue mobility, and thermodynamic stability) performed at Invitae indicates that this missense variant is expected to disrupt LRP2 protein function. In summary, the available evidence is currently insufficient to determine the role of this variant in disease. Therefore, it has been classified as a Variant of Uncertain Significance.